The following is an entry in ClinVar:

NM_000883.4(IMPDH1):c.727G>A (p.Val243Ile)

Gene: IMPDH1 (inosine monophosphate dehydrogenase 1; minus strand). Cytogenetic location: 7q32.1.
Variant type: single nucleotide variant.
Coding change: c.727G>A on transcript NM_000883.4 (MANE Select); coding-DNA position 727, G replaced by A.
Protein change: p.Val243Ile; replaces valine 243 with isoleucine.
Molecular consequence: missense variant.
Genome position (GRCh38, 1-based): chr7:128,400,392, C>T on the plus strand (G>A on the coding strand, the complement: IMPDH1 is on the minus strand). VCF-style: chr7-128400392-C-T. GRCh37 (hg19) VCF-style: chr7-128040446-C-T.
Other names: c.697G>A, p.Val233Ile (NM_001102605.2); c.472G>A, p.Val158Ile (NM_001142573.2); c.457G>A, p.Val153Ile (NM_001142574.2); c.397G>A, p.Val133Ile (NM_001142575.2); c.628G>A, p.Val210Ile (NM_001142576.2); c.520G>A, p.Val174Ile (NM_001304521.2); c.619G>A, p.Val207Ile (NM_183243.3); short protein forms V233I, V243I, V207I, V158I, V174I, V210I, V133I, V153I.
Identifiers: ClinVar variation 839996 (VCV000839996.48), dbSNP rs779330002, ClinGen allele CA4471073.

ClinVar aggregate classification (germline): Uncertain significance. Review status: criteria provided, multiple submitters, no conflicts (2 of 4 stars). 2 submissions from 2 submitters: Uncertain significance (2). Last evaluated 2024-05-16.

Allele frequency attached by ClinVar (database versions not stated): gnomAD exomes below 0.00001 and 0.00001; gnomAD 0.00001; ExAC 0.00002.

Submissions (2):

Labcorp Genetics (formerly Invitae), Labcorp
Classification: Uncertain significance. Last evaluated: 2024-05-16. Review status: criteria provided, single submitter. Criteria: Invitae Variant Classification Sherloc (09022015). Collection method: clinical testing. Allele origin: germline.
Comment: This sequence change replaces valine, which is neutral and non-polar, with isoleucine, which is neutral and non-polar, at codon 243 of the IMPDH1 protein (p.Val243Ile). The frequency data for this variant in the population databases is considered unreliable, as metrics indicate poor data quality at this position in the gnomAD database. This missense change has been observed in individual(s) with retinitis pigmentosa (PMID: 31106028). This variant is also known as c.727C>T. ClinVar contains an entry for this variant (Variation ID: 839996). An algorithm developed to predict the effect of missense changes on protein structure and function (PolyPhen-2) suggests that this variant is likely to be tolerated. In summary, the available evidence is currently insufficient to determine the role of this variant in disease. Therefore, it has been classified as a Variant of Uncertain Significance.

CeGaT Center for Human Genetics Tuebingen
Classification: Uncertain significance. Last evaluated: 2020-03-01. Review status: criteria provided, single submitter. Criteria: CeGaT Center For Human Genetics Tuebingen Variant Classification Criteria Version 2. Collection method: clinical testing. Allele origin: germline. Affected: yes. Observed: 1 variant allele.

Literature cited by the submitters: PubMed 31106028 (cited by Labcorp Genetics (formerly Invitae), Labcorp).